The following is an entry in ClinVar:

NM_170606.3(KMT2C):c.12837G>C (p.Gln4279His)

Gene: KMT2C (lysine methyltransferase 2C; minus strand). Cytogenetic location: 7q36.1.
Variant type: single nucleotide variant.
Coding change: c.12837G>C on transcript NM_170606.3 (MANE Select); coding-DNA position 12837, G replaced by C.
Protein change: p.Gln4279His; replaces glutamine 4279 with histidine.
Molecular consequence: missense variant.
Genome position (GRCh38, 1-based): chr7:152,149,090, C>G on the plus strand (G>C on the coding strand, the complement: KMT2C is on the minus strand). VCF-style: chr7-152149090-C-G. GRCh37 (hg19) VCF-style: chr7-151846175-C-G.
Other names: short protein forms Q4279H.
Identifiers: ClinVar variation 1709235 (VCV001709235.2), dbSNP rs2091392078, ClinGen allele CA370093971.

ClinVar aggregate classification (germline): Uncertain significance (1 of 4 stars; one submission).

Conditions:
Kleefstra syndrome 2 (KLEFS2). Identifiers: MedGen C4540395, MONDO:0054701, OMIM 617768.

Submission:

MGZ Medical Genetics Center
Classification: Uncertain significance for Kleefstra syndrome 2. Last evaluated: 2022-03-31. Review status: criteria provided, single submitter. Criteria: ACMG Guidelines, 2015. Collection method: clinical testing. Allele origin: germline. Affected: yes. Observed: 1 variant allele.
Comment: ACMG criteria applied: PM2_SUP, BP4